The following is an entry in ClinVar:

ClinVar aggregate classification (germline): Uncertain significance (1 of 4 stars; one submission).

Allele frequency attached by ClinVar (database versions not stated): gnomAD exomes below 0.00001; ExAC 0.00001; ESP Exome Variant Server 0.00008.

Submission:

Labcorp Genetics (formerly Invitae), Labcorp
Classification: Uncertain significance. Last evaluated: 2021-08-30. Review status: criteria provided, single submitter. Criteria: Invitae Variant Classification Sherloc (09022015). Collection method: clinical testing. Allele origin: germline.
Comment: This variant has not been reported in the literature in individuals affected with PCLO-related conditions. This sequence change replaces threonine with isoleucine at codon 609 of the PCLO protein (p.Thr609Ile). The threonine residue is moderately conserved and there is a moderate physicochemical difference between threonine and isoleucine. This variant is present in population databases (rs371345144, ExAC 0.001%). Algorithms developed to predict the effect of missense changes on protein structure and function are either unavailable or do not agree on the potential impact of this missense change (SIFT: "Tolerated"; PolyPhen-2: "Not Available"; Align-GVGD: "Class C0"). In summary, the available evidence is currently insufficient to determine the role of this variant in disease. Therefore, it has been classified as a Variant of Uncertain Significance.

NM_033026.6(PCLO):c.1826C>T (p.Thr609Ile)

Gene: PCLO (piccolo presynaptic cytomatrix protein; minus strand). Cytogenetic location: 7q21.11.
Variant type: single nucleotide variant.
Coding change: c.1826C>T on transcript NM_033026.6 (MANE Select); coding-DNA position 1826, C replaced by T.
Protein change: p.Thr609Ile; replaces threonine 609 with isoleucine.
Molecular consequence: missense variant.
Genome position (GRCh38, 1-based): chr7:83,154,815, G>A on the plus strand (C>T on the coding strand, the complement: PCLO is on the minus strand). VCF-style: chr7-83154815-G-A. GRCh37 (hg19) VCF-style: chr7-82784131-G-A.
Other names: c.1826C>T, p.Thr609Ile (NM_014510.3); short protein forms T609I.
Identifiers: ClinVar variation 1491771 (VCV001491771.6), dbSNP rs371345144, ClinGen allele CA4321382.
Genomic context (GRCh38, chr7:83,154,815, plus strand): 5'-AAATGAGGATTGGGATTAAAACCACAGAGACTACAGACAGTGGTTTGACACTCAGTGCAT[G>A]TGTTAAAATTGGCCTTTTCTGGAACATGCAACAGAAGTTCAGTGGTATTGCAAAGAGGAC-3'
Protein context (NP_149015.2, residues 599-619): LHVPEKANFN[Thr609Ile]CTECQTTVCS